The following is an entry in ClinVar:

ClinVar aggregate classification (germline): Uncertain significance. Review status: criteria provided, multiple submitters, no conflicts (2 of 4 stars). 2 submissions from 2 submitters: Uncertain significance (2). Last evaluated 2024-11-26.

Conditions:
Inborn genetic diseases. Identifiers: MedGen C0950123, MeSH D030342.

gnomAD v4.1: 130 of 1,614,020 alleles (0.0081%); highest among the groups gnomAD compares: Non-Finnish European, 0.0098%; no homozygotes.

Submissions (2):

Ambry Genetics
Classification: Uncertain significance for Inborn genetic diseases. Last evaluated: 2024-11-26. Review status: criteria provided, single submitter. Criteria: Ambry Variant Classification Scheme 2023. Collection method: clinical testing. Allele origin: germline.

Labcorp Genetics (formerly Invitae), Labcorp
Classification: Uncertain significance. Last evaluated: 2024-10-31. Review status: criteria provided, single submitter. Criteria: Invitae Variant Classification Sherloc (09022015). Collection method: clinical testing. Allele origin: germline.
Comment: This sequence change replaces serine, which is neutral and polar, with leucine, which is neutral and non-polar, at codon 432 of the NPHS1 protein (p.Ser432Leu). This variant is present in population databases (rs377011961, gnomAD 0.004%). This missense change has been observed in individual(s) with clinical features of nephrotic syndrome (internal data). In at least one individual the data is consistent with being in trans (on the opposite chromosome) from a pathogenic variant. Invitae Evidence Modeling of protein sequence and biophysical properties (such as structural, functional, and spatial information, amino acid conservation, physicochemical variation, residue mobility, and thermodynamic stability) indicates that this missense variant is expected to disrupt NPHS1 protein function with a positive predictive value of 80%. In summary, the available evidence is currently insufficient to determine the role of this variant in disease. Therefore, it has been classified as a Variant of Uncertain Significance.

NM_004646.4(NPHS1):c.1295C>T (p.Ser432Leu)

Gene: NPHS1 (NPHS1 adhesion molecule, nephrin; minus strand). Cytogenetic location: 19q13.12.
Variant type: single nucleotide variant.
Coding change: c.1295C>T on transcript NM_004646.4 (MANE Select); coding-DNA position 1295, C replaced by T.
Protein change: p.Ser432Leu; replaces serine 432 with leucine.
Molecular consequence: missense variant.
Genome position (GRCh38, 1-based): chr19:35,848,273, G>A on the plus strand (C>T on the coding strand, the complement: NPHS1 is on the minus strand). VCF-style: chr19-35848273-G-A. GRCh37 (hg19) VCF-style: chr19-36339175-G-A.
Other names: short protein forms S432L.
Identifiers: ClinVar variation 3407393 (VCV003407393.3).